The following is an entry in ClinVar:

NM_000138.5(FBN1):c.458G>C (p.Gly153Ala)

Gene: FBN1 (fibrillin 1; minus strand). Cytogenetic location: 15q21.1.
Variant type: single nucleotide variant.
Coding change: c.458G>C on transcript NM_000138.5 (MANE Select); coding-DNA position 458, G replaced by C.
Protein change: p.Gly153Ala; replaces glycine 153 with alanine.
Molecular consequence: missense variant.
Genome position (GRCh38, 1-based): chr15:48,596,363, C>G on the plus strand (G>C on the coding strand, the complement: FBN1 is on the minus strand). VCF-style: chr15-48596363-C-G. GRCh37 (hg19) VCF-style: chr15-48888560-C-G.
Other names: c.458G>C, p.Gly153Ala (NM_001406716.1, NM_001406717.1); short protein forms G153A.
Identifiers: ClinVar variation 1997975 (VCV001997975.2), dbSNP rs1228441560, ClinGen allele CA392446384.

ClinVar aggregate classification (germline): Uncertain significance (1 of 4 stars; one submission).

Conditions:
Familial thoracic aortic aneurysm and aortic dissection (TAAD). Also called: Thoracic aortic aneurysms and dissections. Identifiers: Orphanet 91387, MedGen C4707243, MONDO:0019625.
Marfan syndrome (MFS). Also called: MARFAN SYNDROME, TYPE I; Marfan syndrome type 1; Marfan's syndrome; Marfan syndrome, classic; FBN1-Related Marfan Syndrome. Identifiers: Orphanet 284963, Orphanet 558, MedGen C0024796, MONDO:0007947, OMIM 154700.

Allele frequency attached by ClinVar (database versions not stated): gnomAD exomes below 0.00001.
gnomAD v4.1: 2 of 1,613,974 alleles (0.00012%); highest among the groups gnomAD compares: Admixed American, 0.0017%; no homozygotes.

Submission:

Labcorp Genetics (formerly Invitae), Labcorp
Classification: Uncertain significance for Marfan syndrome; Familial thoracic aortic aneurysm and aortic dissection. Last evaluated: 2022-05-31. Review status: criteria provided, single submitter. Criteria: Invitae Variant Classification Sherloc (09022015). Collection method: clinical testing. Allele origin: germline.
Comment: Advanced modeling of protein sequence and biophysical properties (such as structural, functional, and spatial information, amino acid conservation, physicochemical variation, residue mobility, and thermodynamic stability) performed at Invitae indicates that this missense variant is expected to disrupt FBN1 protein function. In summary, the available evidence is currently insufficient to determine the role of this variant in disease. Therefore, it has been classified as a Variant of Uncertain Significance. This variant has not been reported in the literature in individuals affected with FBN1-related conditions. This variant is present in population databases (no rsID available, gnomAD 0.003%). This sequence change replaces glycine, which is neutral and non-polar, with alanine, which is neutral and non-polar, at codon 153 of the FBN1 protein (p.Gly153Ala).